The following is an entry in ClinVar:

NM_012282.4(KCNE5):c.334G>A (p.Asp112Asn)

Gene: KCNE5 (potassium voltage-gated channel subfamily E regulatory subunit 5; minus strand). Cytogenetic location: Xq23.
Variant type: single nucleotide variant.
Coding change: c.334G>A on transcript NM_012282.4 (MANE Select); coding-DNA position 334, G replaced by A.
Protein change: p.Asp112Asn; replaces aspartic acid 112 with asparagine.
Molecular consequence: missense variant.
Genome position (GRCh38, 1-based): chrX:109,624,687, C>T on the plus strand (G>A on the coding strand, the complement: KCNE5 is on the minus strand). VCF-style: chrX-109624687-C-T. GRCh37 (hg19) VCF-style: chrX-108867916-C-T.
Other names: short protein forms D112N.
Identifiers: ClinVar variation 463282 (VCV000463282.14), dbSNP rs764564753, ClinGen allele CA10490847.
Genomic context (GRCh38, chrX:109,624,687, plus strand): 5'-GCCCCTCGGAGGCAAGCTGGCGGCGGCCCTCGGCCTGGGAGCCCGCGGCAGCCTCGGCGT[C>T]GGCGGTCAGGGCGCCTCCCGGGGCCCATTCGTGCTCGGCGCAAGCCTGGGACGGCTCGTC-3'
Protein context (NP_036414.1, residues 102-122): EWAPGGALTA[Asp112Asn]AEAAAGSQAE

ClinVar aggregate classification (germline): Conflicting classifications of pathogenicity. Review status: criteria provided, conflicting classifications (1 of 4 stars). 2 submissions from 2 submitters: Uncertain significance (1); Likely benign (1). Last evaluated 2025-05-11.

Conditions:
Brugada syndrome. Also called: Sudden Unexplained Nocturnal Death Syndrome (SUNDS); Sudden unexpected nocturnal death syndrome; Sudden Unexplained Death Syndrome; Sudden unexplained nocturnal death syndrome. Identifiers: Orphanet 130, MedGen C1142166, MONDO:0015263.

Allele frequency attached by ClinVar (database versions not stated): gnomAD 0.00007 and 0.00008; gnomAD exomes 0.00023 and 0.00065; TOPMed 0.00023; ExAC 0.00155.
gnomAD v4.1: 108 of 1,183,360 alleles (0.0091%); highest among the groups gnomAD compares: Admixed American, 0.24%; no homozygotes.

Submissions (2):

Labcorp Genetics (formerly Invitae), Labcorp
Classification: Likely benign for Brugada syndrome. Last evaluated: 2025-05-11. Review status: criteria provided, single submitter. Criteria: Invitae Variant Classification Sherloc (09022015). Collection method: clinical testing. Allele origin: germline.

Ambry Genetics
Classification: Uncertain significance. Last evaluated: 2023-07-18. Review status: criteria provided, single submitter. Criteria: Ambry Variant Classification Scheme 2023. Collection method: clinical testing. Allele origin: germline.
Comment: The p.D112N variant (also known as c.334G>A), located in coding exon 1 of the KCNE5 gene, results from a G to A substitution at nucleotide position 334. The aspartic acid at codon 112 is replaced by asparagine, an amino acid with highly similar properties. This amino acid position is conserved. In addition, this alteration is predicted to be tolerated by in silico analysis. Since supporting evidence is limited at this time, the clinical significance of this alteration remains unclear.